The following is an entry in ClinVar:

ClinVar aggregate classification (germline): Uncertain significance (1 of 4 stars; one submission).

gnomAD v4.1: 2 of 1,551,792 alleles (0.00013%); highest among the groups gnomAD compares: Non-Finnish European, 0.00017%; no homozygotes.

Submission:

GeneDx
Classification: Uncertain significance. Last evaluated: 2025-01-27. Review status: criteria provided, single submitter. Criteria: GeneDx Variant Classification Process June 2021. Collection method: clinical testing. Allele origin: germline. Affected: yes.
Comment: Not observed at significant frequency in large population cohorts (gnomAD); In silico analysis supports that this missense variant has a deleterious effect on protein structure/function; Has not been previously published as pathogenic or benign to our knowledge

NM_020928.2(ZSWIM6):c.3103C>T (p.Arg1035Trp)

Gene: ZSWIM6 (zinc finger SWIM-type containing 6; plus strand). Cytogenetic location: 5q12.1.
Variant type: single nucleotide variant.
Coding change: c.3103C>T on transcript NM_020928.2 (MANE Select); coding-DNA position 3103, C replaced by T.
Protein change: p.Arg1035Trp; replaces arginine 1035 with tryptophan.
Molecular consequence: missense variant.
Genome position (GRCh38, 1-based): chr5:61,543,772, C>T. VCF-style: chr5-61543772-C-T. GRCh37 (hg19) VCF-style: chr5-60839599-C-T.
Other names: short protein forms R1035W.
Identifiers: ClinVar variation 4072518 (VCV004072518.1).
Genomic context (GRCh38, chr5:61,543,772, plus strand): 5'-CAAATTGTTCTCGACGCTGCTACGACTGGCATGAGCTATACACAGCTCTTTACAATAGCA[C>T]GGTACATGGAGCACCGCGGGTACCCCATGAGGGCCTACAAGCTGGCCACCCTGGCCATGA-3'
Protein context (NP_065979.1, residues 1025-1045): MSYTQLFTIA[Arg1035Trp]YMEHRGYPMR